The following is an entry in ClinVar:

ClinVar aggregate classification (germline): Uncertain significance (1 of 4 stars; one submission).

Conditions:
Cone-rod dystrophy 2 (CORD2). Also called: CONE-ROD RETINAL DYSTROPHY; Cone-rod retinal dystrophy 2. Identifiers: Orphanet 1872, MedGen C3489532, MONDO:0007362, OMIM 120970.
Leber congenital amaurosis 7 (LCA7). Identifiers: Orphanet 65, MedGen C3151192, MONDO:0013449, OMIM 613829.

Submission:

Labcorp Genetics (formerly Invitae), Labcorp
Classification: Uncertain significance for Cone-rod dystrophy 2; Leber congenital amaurosis 7. Last evaluated: 2021-11-19. Review status: criteria provided, single submitter. Criteria: Invitae Variant Classification Sherloc (09022015). Collection method: clinical testing. Allele origin: germline.
Comment: This sequence change replaces asparagine, which is neutral and polar, with lysine, which is basic and polar, at codon 14 of the CRX protein (p.Asn14Lys). This variant is present in population databases (rs774344094, gnomAD 0.0009%). This variant has not been reported in the literature in individuals affected with CRX-related conditions. Algorithms developed to predict the effect of missense changes on protein structure and function are either unavailable or do not agree on the potential impact of this missense change (SIFT: "Deleterious"; PolyPhen-2: "Benign"; Align-GVGD: "Class C25"). Algorithms developed to predict the effect of sequence changes on RNA splicing suggest that this variant may create or strengthen a splice site. In summary, the available evidence is currently insufficient to determine the role of this variant in disease. Therefore, it has been classified as a Variant of Uncertain Significance.

NM_000554.6(CRX):c.42C>A (p.Asn14Lys)

Gene: CRX (cone-rod homeobox; plus strand). Cytogenetic location: 19q13.33.
Variant type: single nucleotide variant.
Coding change: c.42C>A on transcript NM_000554.6 (MANE Select); coding-DNA position 42, C replaced by A.
Protein change: p.Asn14Lys; replaces asparagine 14 with lysine.
Molecular consequence: missense variant.
Genome position (GRCh38, 1-based): chr19:47,834,485, C>A. VCF-style: chr19-47834485-C-A. GRCh37 (hg19) VCF-style: chr19-48337742-C-A.
Other names: short protein forms N14K.
Identifiers: ClinVar variation 1484331 (VCV001484331.6), dbSNP rs774344094, ClinGen allele CA9544375.